The following continues an entry in ClinVar:

NM_001042492.3(NF1):c.5235G>A (p.Lys1745=)

Gene: NF1. ClinVar aggregate classification (germline): Benign/Likely benign. Benign (16); Likely benign (11).

Submissions 22 to 31 of 31:

Center for Pediatric Genomic Medicine, Children's Mercy Hospital and Clinics
Classification: Likely benign. Last evaluated: 2016-06-15. Review status: criteria provided, single submitter. Criteria: ACMG Guidelines, 2015. Collection method: clinical testing. Allele origin: germline.
ClinVar note: Converted during submission from Likely Benign to Likely benign.

Ambry Genetics
Classification: Benign for Cardiovascular phenotype; Hereditary cancer-predisposing syndrome. Last evaluated: 2016-03-23. Review status: criteria provided, single submitter. Criteria: Ambry Variant Classification Scheme 2023. Collection method: clinical testing. Allele origin: germline.

Laboratory for Molecular Medicine, Mass General Brigham Personalized Medicine
Classification: Benign. Last evaluated: 2015-01-13. Review status: criteria provided, single submitter. Criteria: LMM Criteria. Collection method: clinical testing. Allele origin: germline. Observed: 4 variant alleles.
Comment: p.Lys1745Lys in exon 37 of NF1: This variant is not expected to have clinical si gnificance because it does not alter an amino acid residue and is not located wi thin the splice consensus sequence. It has been identified in 0.5% (42/8600) of European American chromosomes from a broad population by the NHLBI Exome Sequenc ing Project (dbSNP rs17887014).

Ambry Genetics
Classification: Benign for Hereditary cancer-predisposing syndrome. Last evaluated: 2014-06-19. Review status: criteria provided, single submitter. Criteria: Ambry Autosomal Dominant and X-Linked criteria (10/2015). Collection method: clinical testing. Allele origin: germline. Observed: 1 variant allele.
Comment: General population or subpopulation frequency is too high to be a pathogenic mutation based on disease/syndrome prevalence and penetrance

Breakthrough Genomics
Classification: Likely benign. Review status: criteria provided, single submitter. Criteria: ACMG Guidelines, 2015. Collection method: not provided. Allele origin: germline. Inheritance: Autosomal dominant inheritance. Affected: yes.

PreventionGenetics, part of Exact Sciences
Classification: Benign. Review status: criteria provided, single submitter. Criteria: ACMG Guidelines, 2015. Collection method: clinical testing. Allele origin: germline.

Clinical Genetics DNA and cytogenetics Diagnostics Lab, Erasmus MC, Erasmus Medical Center
Classification: Benign. Review status: no assertion criteria provided. Collection method: clinical testing. Allele origin: germline. Affected: yes. Study: VKGL Data-share Consensus. Not counted in ClinVar's aggregate classification.

Diagnostic Laboratory, Department of Genetics, University Medical Center Groningen
Classification: Likely benign. Review status: no assertion criteria provided. Collection method: clinical testing. Allele origin: germline. Affected: yes. Study: VKGL Data-share Consensus. Not counted in ClinVar's aggregate classification.

Genome Diagnostics Laboratory, Amsterdam University Medical Center
Classification: Benign. Review status: no assertion criteria provided. Collection method: clinical testing. Allele origin: germline. Affected: yes. Study: VKGL Data-share Consensus. Not counted in ClinVar's aggregate classification.

Laboratory of Diagnostic Genome Analysis, Leiden University Medical Center (LUMC)
Classification: Likely benign. Review status: no assertion criteria provided. Collection method: clinical testing. Allele origin: germline. Affected: yes. Study: VKGL Data-share Consensus. Not counted in ClinVar's aggregate classification.

Literature cited by the submitters: PubMed 15060124 (cited by Illumina Laboratory Services, Illumina); PubMed 15863657 (cited by Illumina Laboratory Services, Illumina); PubMed 23758643 (cited by Illumina Laboratory Services, Illumina); PubMed 10090487 (cited by Illumina Laboratory Services, Illumina); PubMed 10712197 (cited by Illumina Laboratory Services, Illumina); PubMed 26740943 (cited by Women's Health and Genetics/Laboratory Corporation of America, LabCorp).